The following is an entry in ClinVar:

ClinVar aggregate classification (germline): Likely benign (0 of 4 stars; one submission).

Conditions:
ARHGAP32-related disorder. Also called: ARHGAP32-related condition.

Allele frequency attached by ClinVar (database versions not stated): ESP Exome Variant Server 0.00008; ExAC 0.00011; gnomAD exomes 0.00011; TOPMed 0.00011; gnomAD 0.00013.
gnomAD v4.1: 184 of 1,614,064 alleles (0.011%); highest among the groups gnomAD compares: Middle Eastern, 0.2%; no homozygotes.

Submission:

PreventionGenetics, part of Exact Sciences
Classification: Likely benign for ARHGAP32-related condition. Last evaluated: 2019-04-29. Review status: no assertion criteria provided. Collection method: clinical testing. Allele origin: germline.
Comment: This variant is classified as likely benign based on ACMG/AMP sequence variant interpretation guidelines (Richards et al. 2015 PMID: 25741868, with internal and published modifications).

NM_001378024.1(ARHGAP32):c.3270G>A (p.Ala1090=)

Gene: ARHGAP32 (Rho GTPase activating protein 32; minus strand). Cytogenetic location: 11q24.3.
Variant type: single nucleotide variant.
Coding change: c.3270G>A on transcript NM_001378024.1 (MANE Select); coding-DNA position 3270, G replaced by A.
Protein change: p.Ala1090=; no amino-acid change (alanine 1090 retained).
Molecular consequence: synonymous variant.
Genome position (GRCh38, 1-based): chr11:128,973,236, C>T on the plus strand (G>A on the coding strand, the complement: ARHGAP32 is on the minus strand). VCF-style: chr11-128973236-C-T. GRCh37 (hg19) VCF-style: chr11-128843131-C-T.
Other names: c.3228G>A, p.Ala1076= (NM_001142685.2); c.3108G>A, p.Ala1036= (NM_001378025.1); c.2181G>A, p.Ala727= (NM_014715.4).
Identifiers: ClinVar variation 3055497 (VCV003055497.2), dbSNP rs141213420, ClinGen allele CA6358797.